The following is an entry in ClinVar:

NM_006567.5(FARS2):c.453G>A (p.Met151Ile)

Genes: FARS2 (phenylalanyl-tRNA synthetase 2, mitochondrial; plus strand), LOC126859565 (CDK7 strongly-dependent group 2 enhancer GRCh37_chr6:5368745-5369944; plus strand). Cytogenetic location: 6p25.1.
Variant type: single nucleotide variant.
Coding change: c.453G>A on transcript NM_006567.5 (MANE Select); coding-DNA position 453, G replaced by A.
Protein change: p.Met151Ile; replaces methionine 151 with isoleucine.
Molecular consequence: missense variant. On other transcripts: intron variant (2).
Genome position (GRCh38, 1-based): chr6:5,369,023, G>A. VCF-style: chr6-5369023-G-A. GRCh37 (hg19) VCF-style: chr6-5369256-G-A.
Other names: c.453G>A, p.Met151Ile (NM_001318872.2, NM_001374875.1, NM_001374876.1 and 5 more transcripts); c.-340-27610G>A (NM_001375260.1); c.-84-35519G>A (NM_001375259.1); short protein forms M151I.
Identifiers: ClinVar variation 2172251 (VCV002172251.4), dbSNP rs199578006, ClinGen allele CA3623647.

ClinVar aggregate classification (germline): Uncertain significance (1 of 4 stars; one submission).

Conditions:
Combined oxidative phosphorylation defect type 14. Also called: Combined oxidative phosphorylation deficiency 14. Identifiers: Orphanet 319519, MedGen C4755312, MONDO:0013986, OMIM 614946.

Allele frequency attached by ClinVar (database versions not stated): ExAC 0.00001; gnomAD 0.00001; gnomAD exomes 0.00003; 1000 Genomes Project 30x 0.00016; 1000 Genomes Project 0.00020.

Submission:

Labcorp Genetics (formerly Invitae), Labcorp
Classification: Uncertain significance for Combined oxidative phosphorylation defect type 14. Last evaluated: 2025-09-14. Review status: criteria provided, single submitter. Criteria: Invitae Variant Classification Sherloc (09022015). Collection method: clinical testing. Allele origin: germline.
Comment: This sequence change replaces methionine, which is neutral and non-polar, with isoleucine, which is neutral and non-polar, at codon 151 of the FARS2 protein (p.Met151Ile). This variant is present in population databases (rs199578006, gnomAD 0.0009%). This variant has not been reported in the literature in individuals affected with FARS2-related conditions. ClinVar contains an entry for this variant (Variation ID: 2172251). Invitae Evidence Modeling of protein sequence and biophysical properties (such as structural, functional, and spatial information, amino acid conservation, physicochemical variation, residue mobility, and thermodynamic stability) has been performed for this missense variant. However, the output from this modeling did not meet the statistical confidence thresholds required to predict the impact of this variant on FARS2 protein function. In summary, the available evidence is currently insufficient to determine the role of this variant in disease. Therefore, it has been classified as a Variant of Uncertain Significance.